The following is an entry in ClinVar:

NM_000719.7(CACNA1C):c.1838C>G (p.Pro613Arg)

Gene: CACNA1C (calcium voltage-gated channel subunit alpha1 C; plus strand). Cytogenetic location: 12p13.33.
Variant type: single nucleotide variant.
Coding change: c.1838C>G on transcript NM_000719.7 (MANE Select); coding-DNA position 1838, C replaced by G.
Protein change: p.Pro613Arg; replaces proline 613 with arginine.
Molecular consequence: missense variant.
Genome position (GRCh38, 1-based): chr12:2,567,737, C>G. VCF-style: chr12-2567737-C-G. GRCh37 (hg19) VCF-style: chr12-2676903-C-G.
Other names: c.1838C>G, p.Pro613Arg (NM_001129830.3, NM_001129831.2, NM_001129832.2 and 18 more transcripts); c.1829C>G, p.Pro610Arg (NM_001129844.2); short protein forms P610R, P613R.
Identifiers: ClinVar variation 4531394 (VCV004531394.1).

ClinVar aggregate classification (germline): Likely pathogenic (1 of 4 stars; one submission).

Conditions:
Neurodevelopmental disorder with hypotonia, language delay, and skeletal defects with or without seizures (NEDHLSS). Identifiers: MedGen C5774213, MONDO:0859286, OMIM 620029.

Submission:

Victorian Clinical Genetics Services, Murdoch Childrens Research Institute
Classification: Likely pathogenic for Neurodevelopmental disorder with hypotonia, language delay, and skeletal defects with or without seizures. Last evaluated: 2025-08-07. Review status: criteria provided, single submitter. Criteria: ACMG Guidelines, 2015. Collection method: clinical testing. Allele origin: germline. Affected: yes.
Comment: This variant is classified as Likely pathogenic. Evidence in support of pathogenic classification: Variant is absent from gnomAD (v2, v3 and v4); Missense variant predicted to be damaging by in silico tool(s) or highly conserved with a major amino acid change; Additional information: Variant is predicted to result in a missense amino acid change from proline to arginine; This variant is heterozygous; This gene is associated with autosomal dominant disease; This variant has no previous evidence of pathogenicity; No published segregation evidence has been identified for this variant; No published functional evidence has been identified for this variant; No comparable missense variants have previous evidence for pathogenicity; Variant is located in the annotated ion transport domain (PMID: 34163037); Loss of function and gain of function are known mechanisms of disease in this gene. Loss-of-function variants are associated with neurodevelopmental disorder with hypotonia, language delay, and skeletal defects with or without seizures (MIM#620029) (PMID: 34163037). Gain-of-function missense variants result in loss of channel inactivation and increased current, and are associated with long QT syndrome 8 (MIM#618447), and Timothy syndrome (MIM#601005, PMID: 25260352); Variants in this gene are known to have variable expressivity. Parents with the same variant as their affected child have been observed to have a less severe phenotype (PMID: 34163037).

Literature cited by the submitters: PubMed 25260352; PubMed 34163037.